The following is an entry in ClinVar:

NM_005121.3(MED13):c.3968-1G>A

Gene: MED13 (mediator complex subunit 13; minus strand). Cytogenetic location: 17q23.2.
Variant type: single nucleotide variant.
Coding change: c.3968-1G>A on transcript NM_005121.3 (MANE Select); the canonical splice acceptor site of the intron before coding-DNA position 3968, G replaced by A.
Molecular consequence: splice acceptor variant.
Genome position (GRCh38, 1-based): chr17:61,968,259, C>T on the plus strand (G>A on the coding strand, the complement: MED13 is on the minus strand). VCF-style: chr17-61968259-C-T. GRCh37 (hg19) VCF-style: chr17-60045620-C-T.
Identifiers: ClinVar variation 1479636 (VCV001479636.6), dbSNP rs2143387678, ClinGen allele CA400498876.

ClinVar aggregate classification (germline): Likely pathogenic (1 of 4 stars; one submission).

Submission:

Labcorp Genetics (formerly Invitae), Labcorp
Classification: Likely pathogenic. Last evaluated: 2021-09-04. Review status: criteria provided, single submitter. Criteria: Invitae Variant Classification Sherloc (09022015). Collection method: clinical testing. Allele origin: germline.
Comment: Algorithms developed to predict the effect of sequence changes on RNA splicing suggest that this variant may disrupt the consensus splice site. This sequence change affects an acceptor splice site in intron 17 of the MED13 gene. It is expected to disrupt RNA splicing. Variants that disrupt the donor or acceptor splice site typically lead to a loss of protein function (PMID: 16199547), and loss-of-function variants in MED13 are known to be pathogenic (PMID: 29740699). This variant is not present in population databases (ExAC no frequency). Disruption of this splice site has been observed in individual(s) with clinical features of MED13-related conditions (Invitae). In summary, the currently available evidence indicates that the variant is pathogenic, but additional data are needed to prove that conclusively. Therefore, this variant has been classified as Likely Pathogenic.

Literature cited by the submitters: PubMed 16199547; PubMed 29740699.